The following is an entry in ClinVar:

ClinVar aggregate classification (germline): Likely benign (1 of 4 stars; one submission).

gnomAD v4.1: 478 of 398,724 alleles (0.12%); highest among the groups gnomAD compares: African/African-American, 0.91%; 1 homozygote.

Submission:

CeGaT Center for Human Genetics Tuebingen
Classification: Likely benign. Last evaluated: 2026-09-01. Review status: criteria provided, single submitter. Criteria: CeGaT Center For Human Genetics Tuebingen Variant Classification Criteria Version 2. Collection method: clinical testing. Allele origin: germline. Affected: yes. Observed: 2 variant alleles.
Comment: KCNQ1OT1: BS1

NM_000218.3(KCNQ1):c.1514+11634G>A

Genes: KCNQ1 (potassium voltage-gated channel subfamily Q member 1; plus strand), KCNQ1OT1 (KCNQ1 opposite strand/antisense transcript 1; minus strand). Cytogenetic location: 11p15.5.
Variant type: single nucleotide variant.
Coding change: c.1514+11634G>A on transcript NM_000218.3 (MANE Select); 11634 bases into the intron after coding-DNA position 1514, G replaced by A.
Molecular consequence: intron variant. On other transcripts: non-coding transcript variant (1).
Genome position (GRCh38, 1-based): chr11:2,673,715, G>A. VCF-style: chr11-2673715-G-A. GRCh37 (hg19) VCF-style: chr11-2694945-G-A.
Other names: c.1244+11634G>A (NM_001406837.1); c.1418+11634G>A (NM_001406836.1); c.974+11634G>A (NM_001406838.1); c.1133+11634G>A (NM_181798.2).
Identifiers: ClinVar variation 4084898 (VCV004084898.8).
Genomic context (GRCh38, chr11:2,673,715, plus strand): 5'-CCTTGTCTGCATAGGTGTTTTCCTATAAATGTTTAATTCCTGAGGTTGCTGAATCTCAGG[G>A]CTTGGAAGGCCCAGACTGGACAGGGGAAGGGGTACAGTCCCTTCTTGCTGGTATGTTGGG-3'